The following is an entry in ClinVar:

ClinVar aggregate classification (germline): Uncertain significance (1 of 4 stars; one submission).

Conditions:
Hereditary cancer-predisposing syndrome. Also called: Tumor predisposition; Neoplastic Syndromes, Hereditary; Hereditary neoplastic syndrome; Hereditary Cancer Syndrome. Identifiers: Orphanet 140162, MedGen C0027672, MeSH D009386, MONDO:0015356.

Submission:

Ambry Genetics
Classification: Uncertain significance for Hereditary cancer-predisposing syndrome. Last evaluated: 2024-08-31. Review status: criteria provided, single submitter. Criteria: Ambry Variant Classification Scheme 2023. Collection method: clinical testing. Allele origin: germline.
Comment: The p.Q161H variant (also known as c.483A>T), located in coding exon 6 of the SMARCE1 gene, results from an A to T substitution at nucleotide position 483. The glutamine at codon 161 is replaced by histidine, an amino acid with highly similar properties. This amino acid position is conserved. In addition, this alteration is predicted to be tolerated by in silico analysis. Based on the available evidence, the clinical significance of this variant remains unclear.

NM_003079.5(SMARCE1):c.483A>T (p.Gln161His)

Gene: SMARCE1 (SWI/SNF related BAF chromatin remodeling complex subunit E1; minus strand). Cytogenetic location: 17q21.2.
Variant type: single nucleotide variant.
Coding change: c.483A>T on transcript NM_003079.5 (MANE Select); coding-DNA position 483, A replaced by T.
Protein change: p.Gln161His; replaces glutamine 161 with histidine.
Molecular consequence: missense variant.
Genome position (GRCh38, 1-based): chr17:40,635,989, T>A on the plus strand (A>T on the coding strand, the complement: SMARCE1 is on the minus strand). VCF-style: chr17-40635989-T-A. GRCh37 (hg19) VCF-style: chr17-38792241-T-A.
Other names: short protein forms Q161H.
Identifiers: ClinVar variation 3446144 (VCV003446144.1).